The following is an entry in ClinVar:

NM_000350.3(ABCA4):c.4327C>T (p.Arg1443Cys)

Gene: ABCA4 (ATP binding cassette subfamily A member 4; minus strand). Cytogenetic location: 1p22.1.
Variant type: single nucleotide variant.
Coding change: c.4327C>T on transcript NM_000350.3 (MANE Select); coding-DNA position 4327, C replaced by T.
Protein change: p.Arg1443Cys; replaces arginine 1443 with cysteine.
Molecular consequence: missense variant.
Genome position (GRCh38, 1-based): chr1:94,030,453, G>A on the plus strand (C>T on the coding strand, the complement: ABCA4 is on the minus strand). VCF-style: chr1-94030453-G-A. GRCh37 (hg19) VCF-style: chr1-94496009-G-A.
Other names: c.4105C>T, p.Arg1369Cys (NM_001425324.1); c.4327C>T (NM_000350.2); short protein forms R1443C, R1369C.
Identifiers: ClinVar variation 1476832 (VCV001476832.9), dbSNP rs533422156, ClinGen allele CA957651.
Genomic context (GRCh38, chr1:94,030,453, plus strand): 5'-TAGTCTTCTTAGGACAGGGGCGCGTAGGCACTTACGGAAGCCACCCTTCCTTCAGGCAGC[G>A]GTTGCCAAAGCCTGGCTTATTCAGGAGGACGTCTGCAAGTACCGTGAACTGCTCACTGCC-3'
Protein context (NP_000341.2, residues 1433-1453): VLLNKPGFGN[Arg1443Cys]CLKEGWLPEY

ClinVar aggregate classification (germline): Pathogenic/Likely pathogenic. Review status: criteria provided, multiple submitters, no conflicts (2 of 4 stars). 4 submissions from 4 submitters: Pathogenic (1); Likely pathogenic (2). 1 of the submissions does not count toward it. Last evaluated 2024-09-29.

Conditions:
Cone-rod dystrophy 3 (CORD3). Identifiers: Orphanet 1872, MedGen C1858806, MONDO:0011395, OMIM 604116.
Age related macular degeneration 2. Also called: MACULOPATHY, AGE-RELATED; MACULAR DEGENERATION, SENILE; MACULOPATHY, AGE-RELATED, 2. Identifiers: MedGen C3495438, MONDO:0007932, OMIM 153800.
Severe early-childhood-onset retinal dystrophy (STGD1). Also called: STGD; Stargardt macular dystrophy; Juvenile onset macular degeneration; Stargardt disease 1; MACULAR DYSTROPHY WITH FLECKS, TYPE 1. Identifiers: Orphanet 364055, Orphanet 827, MedGen C1855465, MeSH D000080362, MONDO:0009549, OMIM 248200.
Retinitis pigmentosa 19 (RP19). Also called: ABCA4-Related Retinitis Pigmentosa. Identifiers: Orphanet 791, MedGen C1866422, MONDO:0011137, OMIM 601718.
ABCA4-related disorder. Also called: ABCA4-related disorders; ABCA4-related condition. Identifiers: MedGen CN239167.
Retinal dystrophy. Also called: Inherited retinal dystrophy. Identifiers: Orphanet 71862, MedGen C0854723, MeSH D058499, MONDO:0019118, HP:0000556.

Allele frequency attached by ClinVar (database versions not stated): 1000 Genomes Project 30x 0.00031; gnomAD 0.00003; 1000 Genomes Project 0.00020.
gnomAD v4.1: 15 of 1,614,192 alleles (0.00093%); highest among the groups gnomAD compares: East Asian, 0.0089%; no homozygotes.

Submissions (4):

Labcorp Genetics (formerly Invitae), Labcorp
Classification: Pathogenic. Last evaluated: 2024-09-29. Review status: criteria provided, single submitter. Criteria: Invitae Variant Classification Sherloc (09022015). Collection method: clinical testing. Allele origin: germline.
Comment: This sequence change replaces arginine, which is basic and polar, with cysteine, which is neutral and slightly polar, at codon 1443 of the ABCA4 protein (p.Arg1443Cys). This variant is present in population databases (rs533422156, gnomAD 0.03%). This missense change has been observed in individual(s) with clinical features of Stargardt disease (internal data). ClinVar contains an entry for this variant (Variation ID: 1476832). Invitae Evidence Modeling of protein sequence and biophysical properties (such as structural, functional, and spatial information, amino acid conservation, physicochemical variation, residue mobility, and thermodynamic stability) indicates that this missense variant is expected to disrupt ABCA4 protein function with a positive predictive value of 95%. This variant disrupts the p.Arg1443 amino acid residue in ABCA4. Other variant(s) that disrupt this residue have been determined to be pathogenic (PMID: 15161829, 20404325, 22661472, 23419329, 23982839). This suggests that this residue is clinically significant, and that variants that disrupt this residue are likely to be disease-causing. For these reasons, this variant has been classified as Pathogenic.

Blueprint Genetics
Classification: Likely pathogenic for ABCA4-related disorders. Last evaluated: 2024-09-27. Review status: criteria provided, single submitter. Criteria: ACMG Guidelines, 2015. Collection method: clinical testing. Allele origin: germline. Affected: yes. Observed: 2 variant alleles.

Fulgent Genetics
Classification: Likely pathogenic for Age related macular degeneration 2; Severe early-childhood-onset retinal dystrophy; Retinitis pigmentosa 19; Cone-rod dystrophy 3. Last evaluated: 2024-05-08. Review status: criteria provided, single submitter. Criteria: ACMG Guidelines, 2015. Collection method: clinical testing. Allele origin: germline.

Institute of Human Genetics, Univ. Regensburg, Univ. Regensburg
Classification: Uncertain significance for Retinal dystrophy. Last evaluated: 2018-01-01. Review status: no assertion criteria provided. Criteria: ACMG Guidelines, 2015. Collection method: clinical testing. Allele origin: germline. Affected: yes. Not counted in ClinVar's aggregate classification.

Literature cited by the submitters: PubMed 15161829 (cited by Labcorp Genetics (formerly Invitae), Labcorp); PubMed 20404325 (cited by Labcorp Genetics (formerly Invitae), Labcorp); PubMed 22661472 (cited by Labcorp Genetics (formerly Invitae), Labcorp); PubMed 23419329 (cited by Labcorp Genetics (formerly Invitae), Labcorp); PubMed 23982839 (cited by Labcorp Genetics (formerly Invitae), Labcorp).